The following is an entry in ClinVar:

ClinVar aggregate classification (germline): Uncertain significance (1 of 4 stars; one submission).

Submission:

Labcorp Genetics (formerly Invitae), Labcorp
Classification: Uncertain significance. Last evaluated: 2022-08-10. Review status: criteria provided, single submitter. Criteria: Invitae Variant Classification Sherloc (09022015). Collection method: clinical testing. Allele origin: germline.
Comment: In summary, the available evidence is currently insufficient to determine the role of this variant in disease. Therefore, it has been classified as a Variant of Uncertain Significance. Experimental studies and prediction algorithms are not available or were not evaluated, and the functional significance of this variant is currently unknown. This variant has not been reported in the literature in individuals affected with SLC46A1-related conditions. This variant is not present in population databases (gnomAD no frequency). This sequence change replaces glycine, which is neutral and non-polar, with alanine, which is neutral and non-polar, at codon 56 of the SLC46A1 protein (p.Gly56Ala).

NM_080669.6(SLC46A1):c.167G>C (p.Gly56Ala)

Gene: SLC46A1 (solute carrier family 46 member 1; minus strand). Cytogenetic location: 17q11.2.
Variant type: single nucleotide variant.
Coding change: c.167G>C on transcript NM_080669.6 (MANE Select); coding-DNA position 167, G replaced by C.
Protein change: p.Gly56Ala; replaces glycine 56 with alanine.
Molecular consequence: missense variant.
Genome position (GRCh38, 1-based): chr17:28,405,948, C>G on the plus strand (G>C on the coding strand, the complement: SLC46A1 is on the minus strand). VCF-style: chr17-28405948-C-G. GRCh37 (hg19) VCF-style: chr17-26732966-C-G.
Other names: c.167G>C, p.Gly56Ala (NM_001242366.3); short protein forms G56A.
Identifiers: ClinVar variation 2086935 (VCV002086935.2), dbSNP rs782596558, ClinGen allele CA398354025.